The following is an entry in ClinVar:

ClinVar aggregate classification (germline): Uncertain significance (1 of 4 stars; one submission).

Conditions:
Leigh syndrome (NULS). Also called: Leigh's necrotizing encephalopathy; Leigh's disease; Leigh Syndrome (mtDNA deletion); Leigh Disease; Subacute necrotizing encephalopathy; Necrotizing encephalopathy infantile subacute of Leigh. Identifiers: Orphanet 506, MedGen C2931891, MONDO:0009723, OMIM 256000.

Submission:

Wong Mito Lab, Molecular and Human Genetics, Baylor College of Medicine
Classification: Uncertain significance for Leigh syndrome. Last evaluated: 2019-10-17. Review status: criteria provided, single submitter. Criteria: Modified ACMG Guidelines (Unpublished). Collection method: clinical testing. Allele origin: germline.
Comment: The NC_012920.1:m.10857T>C (YP_003024035.1:p.Ile33Thr) variant in MTND4 gene is interpretated to be a Uncertain Significance variant based on the modified ACMG guidelines (unpublished). This variant meets the following evidence codes: PP7, BP4

NC_012920.1(MT-ND4):m.10857T>C

Gene: MT-ND4 (mitochondrially encoded NADH dehydrogenase 4; plus strand).
Variant type: single nucleotide variant.
Genome position: chrM-10857-T-C.
Identifiers: ClinVar variation 693320 (VCV000693320.1), dbSNP rs1603222990, ClinGen allele CA414807220.